The following is an entry in ClinVar:

ClinVar aggregate classification (germline): Uncertain significance. Review status: criteria provided, multiple submitters, no conflicts (2 of 4 stars). 4 submissions from 4 submitters: Uncertain significance (4). Last evaluated 2025-02-21.

Conditions:
Inborn genetic diseases. Identifiers: MedGen C0950123, MeSH D030342.

Allele frequency attached by ClinVar (database versions not stated): gnomAD exomes below 0.00001; TOPMed below 0.00001.
gnomAD v4.1: 3 of 1,614,196 alleles (0.00019%); highest among the groups gnomAD compares: Non-Finnish European, 0.000085%; no homozygotes.

Submissions (4):

Ambry Genetics
Classification: Uncertain significance for Inborn genetic diseases. Last evaluated: 2025-02-21. Review status: criteria provided, single submitter. Criteria: Ambry Variant Classification Scheme 2023. Collection method: clinical testing. Allele origin: germline.

Women's Health and Genetics/Laboratory Corporation of America, LabCorp
Classification: Uncertain significance. Last evaluated: 2024-11-20. Review status: criteria provided, single submitter. Criteria: LabCorp Variant Classification Summary - May 2015. Collection method: clinical testing. Allele origin: germline.
Comment: Variant summary: NSD1 c.7033G>T (p.Val2345Phe) results in a non-conservative amino acid change in the encoded protein sequence. Three of four in-silico tools predict a damaging effect of the variant on protein function. The variant was absent in 251122 control chromosomes (gnomAD). The available data on variant occurrences in the general population are insufficient to allow any conclusion about variant significance. To our knowledge, no occurrence of c.7033G>T in individuals affected with Sotos Syndrome and no experimental evidence demonstrating its impact on protein function have been reported. ClinVar contains an entry for this variant (Variation ID: 96075). Based on the evidence outlined above, the variant was classified as uncertain significance.

Labcorp Genetics (formerly Invitae), Labcorp
Classification: Uncertain significance. Last evaluated: 2023-10-03. Review status: criteria provided, single submitter. Criteria: Invitae Variant Classification Sherloc (09022015). Collection method: clinical testing. Allele origin: germline.
Comment: This sequence change replaces valine, which is neutral and non-polar, with phenylalanine, which is neutral and non-polar, at codon 2345 of the NSD1 protein (p.Val2345Phe). This variant is not present in population databases (gnomAD no frequency). This variant has not been reported in the literature in individuals affected with NSD1-related conditions. ClinVar contains an entry for this variant (Variation ID: 96075). Advanced modeling of protein sequence and biophysical properties (such as structural, functional, and spatial information, amino acid conservation, physicochemical variation, residue mobility, and thermodynamic stability) performed at Invitae indicates that this missense variant is not expected to disrupt NSD1 protein function. In summary, the available evidence is currently insufficient to determine the role of this variant in disease. Therefore, it has been classified as a Variant of Uncertain Significance.

Eurofins Ntd Llc (ga)
Classification: Uncertain significance. Last evaluated: 2013-10-24. Review status: criteria provided, single submitter. Criteria: EGL Classification Definitions 2015. Collection method: clinical testing. Allele origin: germline. Observed: 1 variant allele, 1 heterozygote.

NM_022455.5(NSD1):c.7033G>T (p.Val2345Phe)

Gene: NSD1 (nuclear receptor binding SET domain protein 1; plus strand). Cytogenetic location: 5q35.3.
Variant type: single nucleotide variant.
Coding change: c.7033G>T on transcript NM_022455.5 (MANE Select); coding-DNA position 7033, G replaced by T.
Protein change: p.Val2345Phe; replaces valine 2345 with phenylalanine.
Molecular consequence: missense variant.
Genome position (GRCh38, 1-based): chr5:177,294,401, G>T. VCF-style: chr5-177294401-G-T. GRCh37 (hg19) VCF-style: chr5-176721402-G-T.
Other names: c.6160G>T, p.Val2054Phe (NM_001365684.2, NM_001409308.1, NM_172349.5); c.7033G>T, p.Val2345Phe (NM_001409301.1, NM_001409302.1, NM_001409303.1); c.6613G>T, p.Val2205Phe (NM_001409304.1); c.6280G>T, p.Val2094Phe (NM_001409305.1); c.6271G>T, p.Val2091Phe (NM_001409306.1, NM_001409307.1); c.5911G>T, p.Val1971Phe (NM_001409309.1); short protein forms V2076F, V1971F, V2054F, V2091F, V2205F, V2094F.
Identifiers: ClinVar variation 96075 (VCV000096075.10), dbSNP rs398124384, ClinGen allele CA223703.